The following is an entry in ClinVar:

ClinVar aggregate classification (germline): Uncertain significance (1 of 4 stars; one submission).

gnomAD v4.1: 6 of 1,612,104 alleles (0.00037%); highest among the groups gnomAD compares: South Asian, 0.0066%; no homozygotes.

Submission:

Women's Health and Genetics/Laboratory Corporation of America, LabCorp
Classification: Uncertain significance. Last evaluated: 2025-09-16. Review status: criteria provided, single submitter. Criteria: LabCorp Variant Classification Summary - May 2015. Collection method: clinical testing. Allele origin: germline.
Comment: Variant summary: COL12A1 c.6517A>T (p.Asn2173Tyr) results in a non-conservative amino acid change in the encoded protein sequence. Algorithms developed to predict the effect of missense changes on protein structure and function are either unavailable or do not agree on the potential impact of this missense change. The variant allele was found at a frequency of 8.1e-06 in 247588 control chromosomes. The available data on variant occurrences in the general population are insufficient to allow any conclusion about variant significance. To our knowledge, no occurrence of c.6517A>T in individuals affected with COL12A1-related conditions and no experimental evidence demonstrating its impact on protein function have been reported. No submitters have cited clinical-significance assessments for this variant to ClinVar. Based on the evidence outlined above, the variant was classified as uncertain significance.

NM_004370.6(COL12A1):c.6517A>T (p.Asn2173Tyr)

Gene: COL12A1 (collagen type XII alpha 1 chain; minus strand). Cytogenetic location: 6q13.
Variant type: single nucleotide variant.
Coding change: c.6517A>T on transcript NM_004370.6 (MANE Select); coding-DNA position 6517, A replaced by T.
Protein change: p.Asn2173Tyr; replaces asparagine 2173 with tyrosine.
Molecular consequence: missense variant.
Genome position (GRCh38, 1-based): chr6:75,125,217, T>A on the plus strand (A>T on the coding strand, the complement: COL12A1 is on the minus strand). VCF-style: chr6-75125217-T-A. GRCh37 (hg19) VCF-style: chr6-75834933-T-A.
Other names: c.6517A>T, p.Asn2173Tyr (NM_001424113.1); c.6496A>T, p.Asn2166Tyr (NM_001424114.1); c.6244A>T, p.Asn2082Tyr (NM_001424115.1); c.3025A>T, p.Asn1009Tyr (NM_001424116.1, NM_080645.3); short protein forms N1009Y, N2082Y, N2166Y, N2173Y.
Identifiers: ClinVar variation 4535503 (VCV004535503.1).
Genomic context (GRCh38, chr6:75,125,217, plus strand): 5'-TGAGTCCAGAATCATATTGAGCATAAACATTCACATCGTAGGTGGTGCTGGGATTGAGAT[T>A]GTGTAAGGTATATGATGTCATTTCTCCAACAAAGGCTTCCATGGGCTCATTGGAACCTTT-3'
Protein context (NP_004361.3, residues 2163-2183): VGEMTSYTLH[Asn2173Tyr]LNPSTTYDVN